The following is an entry in ClinVar:

NM_001430.5(EPAS1):c.1123G>T (p.Asp375Tyr)

Gene: EPAS1 (endothelial PAS domain protein 1; plus strand). Cytogenetic location: 2p21.
Variant type: single nucleotide variant.
Coding change: c.1123G>T on transcript NM_001430.5 (MANE Select); coding-DNA position 1123, G replaced by T.
Protein change: p.Asp375Tyr; replaces aspartic acid 375 with tyrosine.
Molecular consequence: missense variant.
Genome position (GRCh38, 1-based): chr2:46,376,627, G>T. VCF-style: chr2-46376627-G-T. GRCh37 (hg19) VCF-style: chr2-46603766-G-T.
Other names: short protein forms D375Y.
Identifiers: ClinVar variation 1798501 (VCV001798501.2), dbSNP rs1484797263, ClinGen allele CA346703233.

ClinVar aggregate classification (germline): Uncertain significance (1 of 4 stars; one submission).

Conditions:
Inborn genetic diseases. Identifiers: MedGen C0950123, MeSH D030342.

Submission:

Ambry Genetics
Classification: Uncertain significance for Inborn genetic diseases. Last evaluated: 2022-10-04. Review status: criteria provided, single submitter. Criteria: Ambry Variant Classification Scheme 2023. Collection method: clinical testing. Allele origin: germline.
Comment: The p.D375Y variant (also known as c.1123G>T), located in coding exon 9 of the EPAS1 gene, results from a G to T substitution at nucleotide position 1123. The aspartic acid at codon 375 is replaced by tyrosine, an amino acid with highly dissimilar properties. This amino acid position is conserved. In addition, the in silico prediction for this alteration is inconclusive. Since supporting evidence is limited at this time, the clinical significance of this alteration remains unclear.